The following is an entry in ClinVar:

ClinVar aggregate classification (germline): Uncertain significance (1 of 4 stars; one submission).

Conditions:
RASopathy. Also called: rasopathies; Noonan spectrum disorder. Identifiers: Orphanet 536391, MedGen C5555857, MONDO:0021060.

Submission:

Labcorp Genetics (formerly Invitae), Labcorp
Classification: Uncertain significance for RASopathy. Last evaluated: 2024-11-07. Review status: criteria provided, single submitter. Criteria: Invitae Variant Classification Sherloc (09022015). Collection method: clinical testing. Allele origin: germline.
Comment: This sequence change replaces glutamine, which is neutral and polar, with proline, which is neutral and non-polar, at codon 441 of the RAF1 protein (p.Gln441Pro). This variant is not present in population databases (gnomAD no frequency). This variant has not been reported in the literature in individuals affected with RAF1-related conditions. Invitae Evidence Modeling of protein sequence and biophysical properties (such as structural, functional, and spatial information, amino acid conservation, physicochemical variation, residue mobility, and thermodynamic stability) indicates that this missense variant is expected to disrupt RAF1 protein function with a positive predictive value of 95%. In summary, the available evidence is currently insufficient to determine the role of this variant in disease. Therefore, it has been classified as a Variant of Uncertain Significance.

NM_002880.4(RAF1):c.1322A>C (p.Gln441Pro)

Gene: RAF1 (Raf-1 proto-oncogene, serine/threonine kinase; minus strand). Cytogenetic location: 3p25.2.
Variant type: single nucleotide variant.
Coding change: c.1322A>C on transcript NM_002880.4 (MANE Select); coding-DNA position 1322, A replaced by C.
Protein change: p.Gln441Pro; replaces glutamine 441 with proline.
Molecular consequence: missense variant. On other transcripts: non-coding transcript variant (3).
Genome position (GRCh38, 1-based): chr3:12,590,846, T>G on the plus strand (A>C on the coding strand, the complement: RAF1 is on the minus strand). VCF-style: chr3-12590846-T-G. GRCh37 (hg19) VCF-style: chr3-12632345-T-G.
Other names: c.1382A>C, p.Gln461Pro (NM_001354689.3); c.1322A>C, p.Gln441Pro (NM_001354690.3); c.1079A>C, p.Gln360Pro (NM_001354691.3, NM_001354692.3); c.1223A>C, p.Gln408Pro (NM_001354693.3); c.1139A>C, p.Gln380Pro (NM_001354694.3); c.980A>C, p.Gln327Pro (NM_001354695.3); short protein forms Q327P, Q360P, Q380P, Q408P, Q441P, Q461P.
Identifiers: ClinVar variation 3620697 (VCV003620697.2).